The following is an entry in ClinVar:

NM_006384.4(CIB1):c.214C>T (p.Arg72Ter)

Gene: CIB1 (calcium and integrin binding 1; minus strand). Cytogenetic location: 15q26.1.
Variant type: single nucleotide variant.
Coding change: c.214C>T on transcript NM_006384.4 (MANE Select); coding-DNA position 214, C replaced by T.
Protein change: p.Arg72Ter; replaces arginine 72 with a stop codon.
Molecular consequence: nonsense. On other transcripts: non-coding transcript variant (2).
Genome position (GRCh38, 1-based): chr15:90,231,489, G>A on the plus strand (C>T on the coding strand, the complement: CIB1 is on the minus strand). VCF-style: chr15-90231489-G-A. GRCh37 (hg19) VCF-style: chr15-90774721-G-A.
Other names: CIB1, ARG72TER (rs143773090); c.334C>T, p.Arg112Ter (NM_001277764.2); short protein forms R72*, R112*.
Identifiers: ClinVar variation 599257 (VCV000599257.6), dbSNP rs143773090, ClinGen allele CA7734260.

ClinVar aggregate classification (germline): Pathogenic. Review status: criteria provided, single submitter (1 of 4 stars). 2 submissions from 2 submitters: Pathogenic (1). 1 of the submissions does not count toward it. Last evaluated 2024-10-14.

Conditions:
Epidermodysplasia verruciformis, susceptibility to, 3. Also called: Epidermodysplasia verruciformis 3. Identifiers: MedGen C4748876, MONDO:0032644, OMIM 618267.

Allele frequency attached by ClinVar (database versions not stated): gnomAD exomes 0.00001 and 0.00002; ExAC 0.00002; gnomAD 0.00004; TOPMed 0.00005; ESP Exome Variant Server 0.00015.
gnomAD v4.1: 13 of 1,613,948 alleles (0.00081%); highest among the groups gnomAD compares: African/African-American, 0.015%; no homozygotes.

Submissions (2):

Labcorp Genetics (formerly Invitae), Labcorp
Classification: Pathogenic. Last evaluated: 2024-10-14. Review status: criteria provided, single submitter. Criteria: Invitae Variant Classification Sherloc (09022015). Collection method: clinical testing. Allele origin: germline.
Comment: This sequence change creates a premature translational stop signal (p.Arg112*) in the CIB1 gene. It is expected to result in an absent or disrupted protein product. Loss-of-function variants in CIB1 are known to be pathogenic (PMID: 30068544). This variant is present in population databases (rs143773090, gnomAD 0.02%). This premature translational stop signal has been observed in individual(s) with epidermodysplasia verruciformis (PMID: 30068544). This variant is also known as c.214C>T (p.Arg72*). ClinVar contains an entry for this variant (Variation ID: 599257). For these reasons, this variant has been classified as Pathogenic.

OMIM
Classification: risk factor for EPIDERMODYSPLASIA VERRUCIFORMIS, SUSCEPTIBILITY TO, 3. Last evaluated: 2019-02-01. Review status: no assertion criteria provided. Collection method: literature only. Allele origin: germline. Not counted in ClinVar's aggregate classification.

Literature cited by the submitters: PubMed 30068544 (cited by Labcorp Genetics (formerly Invitae), Labcorp and OMIM); PubMed 19702156 (cited by OMIM).